The following is an entry in ClinVar:

ClinVar aggregate classification (germline): Uncertain significance. Review status: criteria provided, multiple submitters, no conflicts (2 of 4 stars). 2 submissions from 2 submitters: Uncertain significance (2). Last evaluated 2025-01-09.

Conditions:
Inborn genetic diseases. Identifiers: MedGen C0950123, MeSH D030342.
Psoriasis 2. Identifiers: MedGen C1864497, MONDO:0011269, OMIM 602723.
Pityriasis rubra pilaris (PRP). Also called: Pityriasis rubra pilaris--familial type. Identifiers: Orphanet 2897, MedGen C0032027, MONDO:0100017, OMIM 173200, MONDO:0008251.

Allele frequency attached by ClinVar (database versions not stated): ExAC 0.00004; 1000 Genomes Project 30x 0.00031.
gnomAD v4.1: 58 of 1,560,440 alleles (0.0037%); highest among the groups gnomAD compares: Middle Eastern, 0.017%; no homozygotes.

Submissions (2):

Ambry Genetics
Classification: Uncertain significance for Inborn genetic diseases. Last evaluated: 2025-01-09. Review status: criteria provided, single submitter. Criteria: Ambry Variant Classification Scheme 2023. Collection method: clinical testing. Allele origin: germline.

Labcorp Genetics (formerly Invitae), Labcorp
Classification: Uncertain significance for Pityriasis rubra pilaris; Psoriasis 2. Last evaluated: 2024-08-15. Review status: criteria provided, single submitter. Criteria: Invitae Variant Classification Sherloc (09022015). Collection method: clinical testing. Allele origin: germline.
Comment: This sequence change replaces alanine, which is neutral and non-polar, with valine, which is neutral and non-polar, at codon 208 of the CARD14 protein (p.Ala208Val). The frequency data for this variant in the population databases is considered unreliable, as metrics indicate poor data quality at this position in the gnomAD database. This variant has not been reported in the literature in individuals affected with CARD14-related conditions. ClinVar contains an entry for this variant (Variation ID: 1493364). Invitae Evidence Modeling of protein sequence and biophysical properties (such as structural, functional, and spatial information, amino acid conservation, physicochemical variation, residue mobility, and thermodynamic stability) indicates that this missense variant is not expected to disrupt CARD14 protein function with a negative predictive value of 80%. In summary, the available evidence is currently insufficient to determine the role of this variant in disease. Therefore, it has been classified as a Variant of Uncertain Significance.

NM_001366385.1(CARD14):c.623C>T (p.Ala208Val)

Gene: CARD14 (caspase recruitment domain family member 14; plus strand). Cytogenetic location: 17q25.3.
Variant type: single nucleotide variant.
Coding change: c.623C>T on transcript NM_001366385.1 (MANE Select); coding-DNA position 623, C replaced by T.
Protein change: p.Ala208Val; replaces alanine 208 with valine.
Molecular consequence: missense variant. On other transcripts: non-coding transcript variant (1).
Genome position (GRCh38, 1-based): chr17:80,184,186, C>T. VCF-style: chr17-80184186-C-T. GRCh37 (hg19) VCF-style: chr17-78157985-C-T.
Other names: c.623C>T (NM_024110.3); c.623C>T, p.Ala208Val (NM_001257970.1, NM_024110.4); short protein forms A208V.
Identifiers: ClinVar variation 1493364 (VCV001493364.11), dbSNP rs538572480, ClinGen allele CA8816458.
Genomic context (GRCh38, chr17:80,184,186, plus strand): 5'-TCCATGAGGTGCTGAGGCTGAAGGACGAGATGCTCAGCCTCTCGCTGCACTATAGCAATG[C>T]GCTGCAGGAGAAGGAGCTGGCCGCCTCACGCTGCCGCAGCCTGCAGGAGGAGGTAGGGGG-3'
Protein context (NP_001353314.1, residues 198-218): MLSLSLHYSN[Ala208Val]LQEKELAASR